The following is an entry in ClinVar:

NM_001723.7(DST):c.4534C>T (p.Arg1512Ter)

Gene: DST (dystonin; minus strand). Cytogenetic location: 6p12.1.
Variant type: single nucleotide variant.
Coding change: c.4534C>T on transcript NM_001723.7 (MANE Plus Clinical); coding-DNA position 4534, C replaced by T.
Protein change: p.Arg1512Ter; replaces arginine 1512 with a stop codon.
Molecular consequence: nonsense. On other transcripts: intron variant (10).
Genome position (GRCh38, 1-based): chr6:56,619,500, G>A on the plus strand (C>T on the coding strand, the complement: DST is on the minus strand). VCF-style: chr6-56619500-G-A. GRCh37 (hg19) VCF-style: chr6-56484298-G-A.
Other names: c.4831-5016C>T (NM_001144769.5); c.4930-5016C>T (NM_001374722.1, NM_001374736.1); c.4957-5016C>T (NM_001374734.1); c.4417-5016C>T (NM_001144770.2); c.4297-5016C>T (NM_001374730.1, NM_001386100.1, NM_183380.4 and 1 more transcripts); c.3319-5016C>T (NM_015548.5); c.4534C>T (NM_001723.5); short protein forms R1512*.
Identifiers: ClinVar variation 1069200 (VCV001069200.9), dbSNP rs761229102, ClinGen allele CA3870514.

ClinVar aggregate classification (germline): Pathogenic/Likely pathogenic. Review status: criteria provided, multiple submitters, no conflicts (2 of 4 stars). 3 submissions from 3 submitters: Pathogenic (1); Likely pathogenic (1). 1 of the submissions does not count toward it. Last evaluated 2025-09-02.

Conditions:
Hereditary sensory and autonomic neuropathy type 6. Also called: HSAN VI; Neuropathy, hereditary sensory and autonomic, type VI. Identifiers: Orphanet 314381, MedGen C3539003, MONDO:0013839, OMIM 614653.
Epidermolysis bullosa simplex 3, localized or generalized intermediate, with BP230 deficiency (EBS3). Also called: Epidermolysis bullosa simplex, autosomal recessive 2; Epidermolysis bullosa simplex due to BP230 deficiency. Identifiers: Orphanet 412181, MedGen C3809470, MONDO:0014180, OMIM 615425.
DST-related disorder. Also called: DST-related condition; DST-related disorders.

Allele frequency attached by ClinVar (database versions not stated): gnomAD exomes 0.00002.
gnomAD v4.1: 31 of 1,611,874 alleles (0.0019%); highest among the groups gnomAD compares: African/African-American, 0.0067%; no homozygotes.

Submissions (3):

Labcorp Genetics (formerly Invitae), Labcorp
Classification: Pathogenic for Epidermolysis bullosa simplex 3, localized or generalized intermediate, with BP230 deficiency; Hereditary sensory and autonomic neuropathy type 6. Last evaluated: 2025-09-02. Review status: criteria provided, single submitter. Criteria: Invitae Variant Classification Sherloc (09022015). Collection method: clinical testing. Allele origin: germline.
Comment: This sequence change creates a premature translational stop signal (p.Arg1512*) in the DST gene. It is expected to result in an absent or disrupted protein product. Loss-of-function variants in DST are known to be pathogenic (PMID: 22522446, 25059916, 30371979). This variant is present in population databases (rs761229102, gnomAD 0.004%). This variant has not been reported in the literature in individuals affected with DST-related conditions. ClinVar contains an entry for this variant (Variation ID: 1069200). For these reasons, this variant has been classified as Pathogenic.

First Genomix Gene Laboratory, Genetic Diagnostics Department
Classification: Likely pathogenic for Epidermolysis bullosa simplex 3, localized or generalized intermediate, with BP230 deficiency; Hereditary sensory and autonomic neuropathy type 6. Last evaluated: 2025-07-08. Review status: criteria provided, single submitter. Criteria: ACMG Guidelines, 2015. Collection method: clinical testing. Allele origin: germline. Inheritance: Autosomal recessive inheritance. Affected: no. Observed: 1 variant allele.

PreventionGenetics, part of Exact Sciences
Classification: Likely pathogenic for DST-related condition. Last evaluated: 2024-04-23. Review status: no assertion criteria provided. Collection method: clinical testing. Allele origin: germline. Not counted in ClinVar's aggregate classification.
Comment: The DST c.4534C>T variant is predicted to result in premature protein termination (p.Arg1512*). To our knowledge, this variant has not been reported in the literature. This variant is reported in 0.0062% of alleles in individuals of African descent in gnomAD. Nonsense variants in DST are expected to be pathogenic. This variant is interpreted as likely pathogenic.

Literature cited by the submitters: PubMed 22522446 (cited by Labcorp Genetics (formerly Invitae), Labcorp); PubMed 25059916 (cited by Labcorp Genetics (formerly Invitae), Labcorp); PubMed 30371979 (cited by Labcorp Genetics (formerly Invitae), Labcorp).